The following is an entry in ClinVar:

ClinVar aggregate classification (germline): Uncertain significance (1 of 4 stars; one submission).

Conditions:
THRB-related disorder. Also called: THRB-related condition.

Submission:

PreventionGenetics, part of Exact Sciences
Classification: Uncertain significance for THRB-related condition. Last evaluated: 2025-07-15. Review status: criteria provided, single submitter. Criteria: ACMG Guidelines, 2015. Collection method: clinical testing. Allele origin: germline.
Comment: The THRB c.1037T>C variant is predicted to result in the amino acid substitution p.Leu346Pro. To our knowledge, this variant has not been reported in the literature or in a large population database (gnomAD), indicating this variant is rare. Of note, other missense variants affecting the same amino acid (p.Leu346Val, p.Leu346Phe, p.Leu346Arg) have been reported in patients with thyroid hormone resistance (HGMD database; Rivolta et al. 2009. PubMed ID: 19268523; Macchia et al. 2014. PubMed ID: 25040256). Although we suspect that this variant may be pathogenic, at this time, the clinical significance of this variant is uncertain due to the absence of conclusive functional and genetic evidence.

NM_001354712.2(THRB):c.1037T>C (p.Leu346Pro)

Gene: THRB (thyroid hormone receptor beta; minus strand). Cytogenetic location: 3p24.2.
Variant type: single nucleotide variant.
Coding change: c.1037T>C on transcript NM_001354712.2 (MANE Select); coding-DNA position 1037, T replaced by C.
Protein change: p.Leu346Pro; replaces leucine 346 with proline.
Molecular consequence: missense variant. On other transcripts: intron variant (1).
Genome position (GRCh38, 1-based): chr3:24,127,606, A>G on the plus strand (T>C on the coding strand, the complement: THRB is on the minus strand). VCF-style: chr3-24127606-A-G. GRCh37 (hg19) VCF-style: chr3-24169097-A-G.
Other names: c.1037T>C, p.Leu346Pro (NM_000461.5, NM_001128176.3, NM_001128177.2 and 11 more transcripts); c.944T>C, p.Leu315Pro (NM_001354714.2, NM_001354715.2); c.973+64T>C (NM_001374827.1); short protein forms L315P, L346P.
Identifiers: ClinVar variation 4998917 (VCV004998917.1).
Genomic context (GRCh38, chr3:24,127,606, plus strand): 5'-TCCAGGTTGAAAGAAGACAGAGACATGCCCAGGTCAAAGATGGCGTCTGACACCACCCCA[A>G]GACCCCCATTTTTCAGCTGGCCCCGTGTCACTGCCATTTCCCCATTCAAGGTTAAAGTCT-3'
Protein context (NP_001341641.1, residues 336-356): VTRGQLKNGG[Leu346Pro]GVVSDAIFDL